The following is an entry in ClinVar:

ClinVar aggregate classification (germline): Benign/Likely benign. Review status: criteria provided, multiple submitters, no conflicts (2 of 4 stars). 3 submissions from 3 submitters: Benign (2); Likely benign (1). Last evaluated 2024-12-16.

Conditions:
Myoclonic epilepsy, juvenile, susceptibility to, 1. Also called: Myoclonic Epilepsy, Juvenile, 1; EJM1. Identifiers: MedGen C1850778, MONDO:0020752, OMIM 254770.
Absence seizure. Also called: Absence epilepsy. Identifiers: Orphanet 1941, MedGen C0014553.

Allele frequency attached by ClinVar (database versions not stated): gnomAD exomes 0.00026 and 0.00078; ExAC 0.00101; gnomAD 0.00261; 1000 Genomes Project 0.00300; 1000 Genomes Project 30x 0.00312; TOPMed 0.00332; ESP Exome Variant Server 0.00415.
gnomAD v4.1: 862 of 1,614,096 alleles (0.053%); highest among the groups gnomAD compares: African/African-American, 0.99%; 5 homozygotes.

Submissions (3):

Labcorp Genetics (formerly Invitae), Labcorp
Classification: Benign for Myoclonic epilepsy, juvenile, susceptibility to, 1; Absence seizure. Last evaluated: 2024-12-16. Review status: criteria provided, single submitter. Criteria: Invitae Variant Classification Sherloc (09022015). Collection method: clinical testing. Allele origin: germline.

Blueprint Genetics
Classification: Likely benign. Last evaluated: 2024-09-04. Review status: criteria provided, single submitter. Criteria: ACMG Guidelines, 2015. Collection method: clinical testing. Allele origin: germline.

GeneDx
Classification: Benign. Last evaluated: 2013-08-19. Review status: criteria provided, single submitter. Criteria: GeneDx Variant Classification (06012015). Collection method: clinical testing. Allele origin: germline. Affected: yes.
Comment: This variant is considered likely benign or benign based on one or more of the following criteria: it is a conservative change, it occurs at a poorly conserved position in the protein, it is predicted to be benign by multiple in silico algorithms, and/or has population frequency not consistent with disease.

NM_018100.4(EFHC1):c.887G>A (p.Arg296His)

Gene: EFHC1 (EF-hand domain containing 1; plus strand). Cytogenetic location: 6p12.2.
Variant type: single nucleotide variant.
Coding change: c.887G>A on transcript NM_018100.4 (MANE Select); coding-DNA position 887, G replaced by A.
Protein change: p.Arg296His; replaces arginine 296 with histidine.
Molecular consequence: missense variant. On other transcripts: non-coding transcript variant (1).
Genome position (GRCh38, 1-based): chr6:52,454,258, G>A. VCF-style: chr6-52454258-G-A. GRCh37 (hg19) VCF-style: chr6-52319056-G-A.
Other names: p.R296H:CGT>CAT; c.830G>A, p.Arg277His (NM_001172420.2); short protein forms R296H, R277H.
Identifiers: ClinVar variation 137192 (VCV000137192.18), dbSNP rs115205076, ClinGen allele CA290708.